The following is an entry in ClinVar:

NM_005901.6(SMAD2):c.1387del (p.Cys463fs)

Gene: SMAD2 (SMAD family member 2; minus strand). Cytogenetic location: 18q21.1.
Variant type: Deletion.
Coding change: c.1387del on transcript NM_005901.6 (MANE Select); coding-DNA position 1387, one base deleted (T; older notation c.1387delT).
Protein change: p.Cys463fs; shifts the reading frame from cysteine 463.
Molecular consequence: frameshift variant.
Genome position (GRCh38, 1-based): chr18:47,841,844, A deleted on the plus strand (T on the coding strand, the reverse complement: SMAD2 is on the minus strand); the first of 2 consecutive A bases (chr18:47,841,844-47,841,845); deleting either gives the same sequence. VCF-style (leftmost placement, unchanged base first): chr18-47841843-CA-C. GRCh37 (hg19) VCF-style: chr18-45368214-CA-C.
Other names: c.1387del, p.Cys463fs (NM_001003652.4); c.1297del, p.Cys433fs (NM_001135937.3); short protein forms C433fs, C463fs.
Identifiers: ClinVar variation 1525233 (VCV001525233.6), dbSNP rs2144276111, ClinGen allele CA2573155366.
Genomic context (GRCh38, chr18:47,841,843, plus strand): 5'-AGTTGTTACATTAAGTCTTTTCATGGGACTTGATTGGTGAAGCTTTATGACATGCTTGAG[CA>C]ACGCACTGAAGGGGATCCCATCTGAGTTAATACTTTGTCCAACCACTGTAGAGGTCCATT-3'

ClinVar aggregate classification (germline): Uncertain significance (1 of 4 stars; one submission).

Submission:

Labcorp Genetics (formerly Invitae), Labcorp
Classification: Uncertain significance. Last evaluated: 2025-01-20. Review status: criteria provided, single submitter. Criteria: Invitae Variant Classification Sherloc (09022015). Collection method: clinical testing. Allele origin: germline.
Comment: This sequence change results in a frameshift in the SMAD2 gene (p.Cys463Alafs*17). While this is not anticipated to result in nonsense mediated decay, it is expected to disrupt the last 5 amino acid(s) of the SMAD2 protein and extend the protein by 11 additional amino acid residues. This variant is not present in population databases (gnomAD no frequency). This variant has not been reported in the literature in individuals affected with SMAD2-related conditions. ClinVar contains an entry for this variant (Variation ID: 1525233). In summary, the available evidence is currently insufficient to determine the role of this variant in disease. Therefore, it has been classified as a Variant of Uncertain Significance.